The following is an entry in ClinVar:

ClinVar aggregate classification (germline): Uncertain significance. Review status: criteria provided, multiple submitters, no conflicts (2 of 4 stars). 3 submissions from 3 submitters: Uncertain significance (3). Last evaluated 2024-04-30.

Conditions:
Nephronophthisis 12 (NPHP12). Identifiers: Orphanet 655, MedGen C3151186, MONDO:0013442, OMIM 613820.
Asphyxiating thoracic dystrophy 4 (SRTD4). Also called: SHORT-RIB THORACIC DYSPLASIA 4; SHORT-RIB THORACIC DYSPLASIA 4 WITH OR WITHOUT POLYDACTYLY. Identifiers: Orphanet 474, MedGen C3151185, MONDO:0013441, OMIM 613819.
Inborn genetic diseases. Identifiers: MedGen C0950123, MeSH D030342.
Nephronophthisis. Also called: Juvenile Nephronophthisis. Identifiers: Orphanet 655, MedGen C0687120, MONDO:0019005, HP:0000090.
Jeune thoracic dystrophy. Also called: Jeune syndrome; Infantile thoracic dystrophy; Thoracic pelvic phalangeal dystrophy; Jeune's syndrome; Chondroectodermal dysplasia-like syndrome; Short-rib thoracic dysplasia. Identifiers: Orphanet 474, MedGen C0265275, MONDO:0018770.

Allele frequency attached by ClinVar (database versions not stated): ExAC 0.00001; gnomAD 0.00001; gnomAD exomes 0.00001; TOPMed 0.00001.
gnomAD v4.1: 25 of 1,613,710 alleles (0.0015%); highest among the groups gnomAD compares: Non-Finnish European, 0.002%; no homozygotes.

Submissions (3):

Fulgent Genetics
Classification: Uncertain significance for Asphyxiating thoracic dystrophy 4; Nephronophthisis 12. Last evaluated: 2024-04-30. Review status: criteria provided, single submitter. Criteria: ACMG Guidelines, 2015. Collection method: clinical testing. Allele origin: germline.

Ambry Genetics
Classification: Uncertain significance for Inborn genetic diseases. Last evaluated: 2022-10-26. Review status: criteria provided, single submitter. Criteria: Ambry Variant Classification Scheme 2023. Collection method: clinical testing. Allele origin: germline.

Labcorp Genetics (formerly Invitae), Labcorp
Classification: Uncertain significance for Jeune thoracic dystrophy; Nephronophthisis. Last evaluated: 2021-06-06. Review status: criteria provided, single submitter. Criteria: Invitae Variant Classification Sherloc (09022015). Collection method: clinical testing. Allele origin: germline.
Comment: This variant is present in population databases (rs775266613, ExAC 0.002%). This variant has not been reported in the literature in individuals with TTC21B-related conditions. Algorithms developed to predict the effect of missense changes on protein structure and function (SIFT, PolyPhen-2, Align-GVGD) all suggest that this variant is likely to be tolerated, but these predictions have not been confirmed by published functional studies and their clinical significance is uncertain. In summary, the available evidence is currently insufficient to determine the role of this variant in disease. Therefore, it has been classified as a Variant of Uncertain Significance. This sequence change replaces glutamine with proline at codon 173 of the TTC21B protein (p.Gln173Pro). The glutamine residue is moderately conserved and there is a moderate physicochemical difference between glutamine and proline.

NM_024753.5(TTC21B):c.518A>C (p.Gln173Pro)

Genes: TTC21B (tetratricopeptide repeat domain 21B; minus strand), TTC21B-AS1 (TTC21B antisense RNA 1; plus strand). Cytogenetic location: 2q24.3.
Variant type: single nucleotide variant.
Coding change: c.518A>C on transcript NM_024753.5 (MANE Select); coding-DNA position 518, A replaced by C.
Protein change: p.Gln173Pro; replaces glutamine 173 with proline.
Molecular consequence: missense variant.
Genome position (GRCh38, 1-based): chr2:165,943,253, T>G on the plus strand (A>C on the coding strand, the complement: TTC21B is on the minus strand). VCF-style: chr2-165943253-T-G. GRCh37 (hg19) VCF-style: chr2-166799763-T-G.
Other names: c.518A>C (NM_024753.3); short protein forms Q173P.
Identifiers: ClinVar variation 1350949 (VCV001350949.10), dbSNP rs775266613, ClinGen allele CA1942418.
Genomic context (GRCh38, chr2:165,943,253, plus strand): 5'-ATTTATTTACCCTAACTCCAACTCACCTTACCCAGCAGAGCAAAAGTATCATTCCCATCT[T>G]GGAGTCCCTCTTCAAAATACTTCAGTGCTTTTTTAGTGTAAGGCTCTTTTCCTCTTGTAA-3'
Protein context (NP_079029.3, residues 163-183): KALKYFEEGL[Gln173Pro]DGNDTFALLG